The following is an entry in ClinVar:

NM_001506.2(GPR32):c.291T>C (p.Ile97=)

Gene: GPR32 (G protein-coupled receptor 32; plus strand). Cytogenetic location: 19q13.33.
Variant type: single nucleotide variant.
Coding change: c.291T>C on transcript NM_001506.2 (MANE Select); coding-DNA position 291, T replaced by C.
Protein change: p.Ile97=; no amino-acid change (isoleucine 97 retained).
Molecular consequence: synonymous variant.
Genome position (GRCh38, 1-based): chr19:50,770,891, T>C. VCF-style: chr19-50770891-T-C. GRCh37 (hg19) VCF-style: chr19-51274148-T-C.
Identifiers: ClinVar variation 4533755 (VCV004533755.6).

ClinVar aggregate classification (germline): Likely benign (1 of 4 stars; one submission).

Submission:

CeGaT Center for Human Genetics Tuebingen
Classification: Likely benign. Last evaluated: 2025-10-01. Review status: criteria provided, single submitter. Criteria: CeGaT Center For Human Genetics Tuebingen Variant Classification Criteria Version 2. Collection method: clinical testing. Allele origin: germline. Affected: yes. Observed: 1 variant allele.
Comment: GPR32: PM2:Supporting, BP4, BP7